The following is an entry in ClinVar:

NM_000038.6(APC):c.4738A>T (p.Ile1580Phe)

Gene: APC (APC regulator of Wnt signaling pathway; plus strand). Cytogenetic location: 5q22.2.
Variant type: single nucleotide variant.
Coding change: c.4738A>T on transcript NM_000038.6 (MANE Select); coding-DNA position 4738, A replaced by T.
Protein change: p.Ile1580Phe; replaces isoleucine 1580 with phenylalanine.
Molecular consequence: missense variant. On other transcripts: non-coding transcript variant (2).
Genome position (GRCh38, 1-based): chr5:112,840,332, A>T. VCF-style: chr5-112840332-A-T. GRCh37 (hg19) VCF-style: chr5-112176029-A-T.
Other names: c.4738A>T, p.Ile1580Phe (NM_001127510.3, NM_001354895.2, NM_001407450.1); c.4684A>T, p.Ile1562Phe (NM_001127511.3); c.4792A>T, p.Ile1598Phe (NM_001354896.2, NM_001407447.1, NM_001407448.1 and 1 more transcripts); c.4768A>T, p.Ile1590Phe (NM_001354897.2); c.4663A>T, p.Ile1555Phe (NM_001354898.2); c.4654A>T, p.Ile1552Phe (NM_001354899.2); c.4615A>T, p.Ile1539Phe (NM_001354900.2); c.4561A>T, p.Ile1521Phe (NM_001354901.2, NM_001407453.1); and 11 more; short protein forms I1196F, I1297F, I1420F, I1451F, I1454F, I1479F, I1489F, I1497F.
Identifiers: ClinVar variation 3894215 (VCV003894215.1).

ClinVar aggregate classification (germline): Uncertain significance (1 of 4 stars; one submission).

Conditions:
Hereditary cancer-predisposing syndrome. Also called: Neoplastic Syndromes, Hereditary; Tumor predisposition; Hereditary Cancer Syndrome; Hereditary neoplastic syndrome. Identifiers: Orphanet 140162, MedGen C0027672, MeSH D009386, MONDO:0015356.

Submission:

Color Diagnostics, LLC DBA Color Health
Classification: Uncertain significance for Hereditary cancer-predisposing syndrome. Last evaluated: 2025-01-13. Review status: criteria provided, single submitter. Criteria: ACMG Guidelines, 2015. Collection method: clinical testing. Allele origin: germline.
Comment: This missense variant replaces isoleucine with phenylalanine at codon 1580 of the APC protein. Computational prediction is inconclusive regarding the impact of this variant on protein structure and function (internally defined REVEL score threshold 0.5 < inconclusive < 0.7, PMID: 27666373). To our knowledge, functional studies have not been reported for this variant. This variant has not been reported in individuals affected with APC-related disorders in the literature. This variant has not been identified in the general population by the Genome Aggregation Database (gnomAD). The available evidence is insufficient to determine the role of this variant in disease conclusively. Therefore, this variant is classified as a Variant of Uncertain Significance.